The following is an entry in ClinVar:

NM_000081.4(LYST):c.3692A>T (p.Asp1231Val)

Gene: LYST (lysosomal trafficking regulator; minus strand). Cytogenetic location: 1q42.3.
Variant type: single nucleotide variant.
Coding change: c.3692A>T on transcript NM_000081.4 (MANE Select); coding-DNA position 3692, A replaced by T.
Protein change: p.Asp1231Val; replaces aspartic acid 1231 with valine.
Molecular consequence: missense variant.
Genome position (GRCh38, 1-based): chr1:235,802,928, T>A on the plus strand (A>T on the coding strand, the complement: LYST is on the minus strand). VCF-style: chr1-235802928-T-A. GRCh37 (hg19) VCF-style: chr1-235966228-T-A.
Other names: c.3692A>T, p.Asp1231Val (NM_001301365.1); short protein forms D1231V.
Identifiers: ClinVar variation 2901677 (VCV002901677.1), dbSNP rs1186496932, ClinGen allele CA344946413.
Genomic context (GRCh38, chr1:235,802,928, plus strand): 5'-GCTTGCAGATCTAATTACAAGCACTTCAATGATATTTTACCATCATCCTGGGTTTCGCCA[T>A]CTTCAGGATTGCTTTCACTATCTGCTTCGTAACCTTCTTCTTCAACTAAAAGTTTAAAAC-3'
Protein context (NP_000072.2, residues 1221-1241): YEADSESNPE[Asp1231Val]GETQDDGVDL

ClinVar aggregate classification (germline): Uncertain significance (1 of 4 stars; one submission).

Conditions:
Chédiak-Higashi syndrome (CHS). Also called: Chediak-Higashi Syndrome. Identifiers: Orphanet 167, MedGen C0007965, MONDO:0008963, OMIM 214500.

Allele frequency attached by ClinVar (database versions not stated): TOPMed below 0.00001; gnomAD exomes 0.00001.
gnomAD v4.1: 12 of 1,613,618 alleles (0.00074%); highest among the groups gnomAD compares: Non-Finnish European, 0.001%; no homozygotes.

Submission:

Labcorp Genetics (formerly Invitae), Labcorp
Classification: Uncertain significance for Chédiak-Higashi syndrome. Last evaluated: 2023-06-30. Review status: criteria provided, single submitter. Criteria: Invitae Variant Classification Sherloc (09022015). Collection method: clinical testing. Allele origin: germline.
Comment: This variant is not present in population databases (gnomAD no frequency). In summary, the available evidence is currently insufficient to determine the role of this variant in disease. Therefore, it has been classified as a Variant of Uncertain Significance. Advanced modeling of protein sequence and biophysical properties (such as structural, functional, and spatial information, amino acid conservation, physicochemical variation, residue mobility, and thermodynamic stability) performed at Invitae indicates that this missense variant is not expected to disrupt LYST protein function. This variant has not been reported in the literature in individuals affected with LYST-related conditions. This sequence change replaces aspartic acid, which is acidic and polar, with valine, which is neutral and non-polar, at codon 1231 of the LYST protein (p.Asp1231Val).